The following is an entry in ClinVar:

NM_173495.3(PTCHD1):c.1412A>C (p.Glu471Ala)

Gene: PTCHD1 (patched domain containing 1; plus strand). Cytogenetic location: Xp22.11.
Variant type: single nucleotide variant.
Coding change: c.1412A>C on transcript NM_173495.3 (MANE Select); coding-DNA position 1412, A replaced by C.
Protein change: p.Glu471Ala; replaces glutamic acid 471 with alanine.
Molecular consequence: missense variant.
Genome position (GRCh38, 1-based): chrX:23,392,930, A>C. VCF-style: chrX-23392930-A-C. GRCh37 (hg19) VCF-style: chrX-23411047-A-C.
Other names: short protein forms E471A.
Identifiers: ClinVar variation 3363777 (VCV003363777.1).
Genomic context (GRCh38, chrX:23,392,930, plus strand): 5'-AGGAGAAGCCGGCATGGTACAGGTTTCTCCTGACGGCCAGATTCAGTGAGGACACAGCTG[A>C]AGGCGAGGAAGCGAACACTTACGAGAGTCACCTATTGGTATGTTTCCTCAAACGCTATTA-3'
Protein context (NP_775766.2, residues 461-481): LTARFSEDTA[Glu471Ala]GEEANTYESH

ClinVar aggregate classification (germline): Uncertain significance (1 of 4 stars; one submission).

gnomAD v4.1: 1 of 1,212,224 alleles (0.000082%); highest among the groups gnomAD compares: South Asian, 0.0018%; no homozygotes.

Submission:

GeneDx
Classification: Uncertain significance. Last evaluated: 2023-11-02. Review status: criteria provided, single submitter. Criteria: GeneDx Variant Classification Process June 2021. Collection method: clinical testing. Allele origin: germline. Affected: yes.
Comment: Not observed at significant frequency in large population cohorts (gnomAD); In silico analysis supports that this missense variant does not alter protein structure/function; Has not been previously published as pathogenic or benign to our knowledge